The following is an entry in ClinVar:

ClinVar aggregate classification (germline): Uncertain significance. Review status: criteria provided, multiple submitters, no conflicts (2 of 4 stars). 2 submissions from 2 submitters: Uncertain significance (2). Last evaluated 2025-11-11.

Conditions:
TG-related disorder. Also called: TG-related disorders; TG-related condition.
Inborn genetic diseases. Identifiers: MedGen C0950123, MeSH D030342.

Allele frequency attached by ClinVar (database versions not stated): gnomAD exomes 0.00002; TOPMed 0.00003; ExAC 0.00007; 1000 Genomes Project 30x 0.00031; 1000 Genomes Project 0.00040.
gnomAD v4.1: 34 of 1,613,840 alleles (0.0021%); highest among the groups gnomAD compares: Middle Eastern, 0.13%; no homozygotes.

Submissions (2):

PreventionGenetics, part of Exact Sciences
Classification: Uncertain significance for TG-related condition. Last evaluated: 2025-11-11. Review status: criteria provided, single submitter. Criteria: ACMG Guidelines, 2015. Collection method: clinical testing. Allele origin: germline.
Comment: The TG c.2767G>C variant is predicted to result in the amino acid substitution p.Gly923Arg. To our knowledge, this variant has not been reported in the literature. This variant is reported in 0.023% of alleles in individuals of South Asian descent in gnomAD. At this time, the clinical significance of this variant is uncertain due to the absence of conclusive functional and genetic evidence.

Ambry Genetics
Classification: Uncertain significance for Inborn genetic diseases. Last evaluated: 2025-09-26. Review status: criteria provided, single submitter. Criteria: Ambry Variant Classification Scheme 2023. Collection method: clinical testing. Allele origin: germline.

NM_003235.5(TG):c.2767G>C (p.Gly923Arg)

Gene: TG (thyroglobulin; plus strand). Cytogenetic location: 8q24.22.
Variant type: single nucleotide variant.
Coding change: c.2767G>C on transcript NM_003235.5 (MANE Select); coding-DNA position 2767, G replaced by C.
Protein change: p.Gly923Arg; replaces glycine 923 with arginine.
Molecular consequence: missense variant.
Genome position (GRCh38, 1-based): chr8:132,893,695, G>C. VCF-style: chr8-132893695-G-C. GRCh37 (hg19) VCF-style: chr8-133905940-G-C.
Other names: short protein forms G923R.
Identifiers: ClinVar variation 2370213 (VCV002370213.4), dbSNP rs556522511, ClinGen allele CA4883497.